The following is an entry in ClinVar:

NM_198576.4(AGRN):c.3272G>A (p.Ser1091Asn)

Gene: AGRN (agrin; plus strand). Cytogenetic location: 1p36.33.
Variant type: single nucleotide variant.
Coding change: c.3272G>A on transcript NM_198576.4 (MANE Select); coding-DNA position 3272, G replaced by A.
Protein change: p.Ser1091Asn; replaces serine 1091 with asparagine.
Molecular consequence: missense variant.
Genome position (GRCh38, 1-based): chr1:1,046,841, G>A. VCF-style: chr1-1046841-G-A. GRCh37 (hg19) VCF-style: chr1-982221-G-A.
Other names: c.3272G>A, p.Ser1091Asn (NM_001305275.2); c.2957G>A, p.Ser986Asn (NM_001364727.2); short protein forms S1091N, S986N.
Identifiers: ClinVar variation 1061151 (VCV001061151.9), dbSNP rs977284297, ClinGen allele CA16758964.

ClinVar aggregate classification (germline): Uncertain significance (1 of 4 stars; one submission).

Conditions:
Congenital myasthenic syndrome 8. Also called: MYASTHENIC SYNDROME, CONGENITAL, DUE TO AGRIN DEFICIENCY; Myasthenic syndrome, congenital, 8, with pre- and postsynaptic defects. Identifiers: Orphanet 590, MedGen C3808739, MONDO:0014052, OMIM 615120.

Allele frequency attached by ClinVar (database versions not stated): gnomAD exomes below 0.00001; TOPMed 0.00001.
gnomAD v4.1: 1 of 1,586,130 alleles (0.000063%); highest among the groups gnomAD compares: Admixed American, 0.0018%; no homozygotes.

Submission:

Labcorp Genetics (formerly Invitae), Labcorp
Classification: Uncertain significance for Congenital myasthenic syndrome 8. Last evaluated: 2020-09-09. Review status: criteria provided, single submitter. Criteria: Invitae Variant Classification Sherloc (09022015). Collection method: clinical testing. Allele origin: germline.
Comment: This sequence change replaces serine with asparagine at codon 1091 of the AGRN protein (p.Ser1091Asn). The serine residue is weakly conserved and there is a small physicochemical difference between serine and asparagine. This variant is not present in population databases (ExAC no frequency). This variant has not been reported in the literature in individuals with AGRN-related conditions. Algorithms developed to predict the effect of missense changes on protein structure and function output the following: SIFT: "Tolerated"; PolyPhen-2: "Benign"; Align-GVGD: "Class C0". The asparagine amino acid residue is found in multiple mammalian species, suggesting that this missense change does not adversely affect protein function. These predictions have not been confirmed by published functional studies and their clinical significance is uncertain. In summary, the available evidence is currently insufficient to determine the role of this variant in disease. Therefore, it has been classified as a Variant of Uncertain Significance.